The following is an entry in ClinVar:

NM_001854.4(COL11A1):c.898-246T>G

Gene: COL11A1 (collagen type XI alpha 1 chain; minus strand). Cytogenetic location: 1p21.1.
Variant type: single nucleotide variant.
Coding change: c.898-246T>G on transcript NM_001854.4 (MANE Select); 246 bases into the intron before coding-DNA position 898, T replaced by G.
Molecular consequence: intron variant. On other transcripts: missense variant (1).
Genome position (GRCh38, 1-based): chr1:103,025,859, A>C on the plus strand (T>G on the coding strand, the complement: COL11A1 is on the minus strand). VCF-style: chr1-103025859-A-C. GRCh37 (hg19) VCF-style: chr1-103491415-A-C.
Other names: c.874T>G, p.Phe292Val (NM_080629.3); c.781-246T>G (NM_001190709.2); c.897+357T>G (NM_080630.4); short protein forms F292V.
Identifiers: ClinVar variation 4993385 (VCV004993385.1).

ClinVar aggregate classification (germline): Uncertain significance (1 of 4 stars; one submission).

Conditions:
COL11A1-related disorder. Also called: COL11A1-related condition; COL11A1-related disorders.

gnomAD v4.1: 1 of 1,613,082 alleles (0.000062%); highest among the groups gnomAD compares: Admixed American, 0.0017%; no homozygotes.

Submission:

PreventionGenetics, part of Exact Sciences
Classification: Uncertain significance for COL11A1-related condition. Last evaluated: 2026-05-28. Review status: criteria provided, single submitter. Criteria: ACMG Guidelines, 2015. Collection method: clinical testing. Allele origin: germline.
Comment: The COL11A1 c.874T>G variant is predicted to result in the amino acid substitution p.Phe292Val. To our knowledge, this variant has not been reported in the literature or in a large population database (gnomAD), indicating this variant is rare. At this time, the clinical significance of this variant is uncertain due to the absence of conclusive functional and genetic evidence.